The following is an entry in ClinVar:

NM_000038.6(APC):c.934-132G>T

Gene: APC (APC regulator of Wnt signaling pathway; plus strand). Cytogenetic location: 5q22.2.
Variant type: single nucleotide variant.
Coding change: c.934-132G>T on transcript NM_000038.6 (MANE Select); 132 bases into the intron before coding-DNA position 934, G replaced by T.
Molecular consequence: intron variant.
Genome position (GRCh38, 1-based): chr5:112,818,834, G>T. VCF-style: chr5-112818834-G-T. GRCh37 (hg19) VCF-style: chr5-112154531-G-T.
Other names: NC_000005.9:g.112154531G>T; c.85-132G>T (NM_001354906.2); c.934-132G>T (NM_001354896.2, NM_001354895.2, NM_001127510.3); c.934-435G>T (NM_001354903.2); c.850-132G>T (NM_001354899.2); c.757-132G>T (NM_001354900.2, NM_001354901.2); c.757-435G>T (NM_001354905.2); c.964-132G>T (NM_001354897.2); and 4 more.
Identifiers: ClinVar variation 83122 (VCV000083122.4), dbSNP rs12521276, ClinGen allele CA015868.

ClinVar aggregate classification (germline): Benign. Review status: criteria provided, single submitter (1 of 4 stars). 2 submissions from 2 submitters: Benign (1). 1 of the submissions does not count toward it. Last evaluated 2019-08-14.

Conditions:
Familial colorectal cancer. Identifiers: MedGen CN280943, MONDO:0023113. Disease mechanism: loss of function.

Allele frequency attached by ClinVar (database versions not stated): gnomAD 0.25388 and 0.25508; gnomAD exomes 0.26488.
gnomAD v4.1: 79,153 of 299,236 alleles (26%); highest among the groups gnomAD compares: East Asian, 50%; 2,378 homozygotes.

Submissions (12):

GeneDx
Classification: Benign. Last evaluated: 2019-08-14. Review status: criteria provided, single submitter. Criteria: GeneDx Variant Classification Process June 2021. Collection method: clinical testing. Allele origin: germline. Affected: yes.

Dr. Peter K. Rogan Lab, Western University
No classification provided (evidence only). Condition: Familial cancer of breast. Review status: no classification provided. Collection method: in vitro. Allele origin: not applicable. Functional consequence: skipped exon. Not counted in ClinVar's aggregate classification.

Dr. Peter K. Rogan Lab, Western University
No classification provided (evidence only). Condition: Familial cancer of breast. Review status: no classification provided. Collection method: in vitro. Allele origin: not applicable. Functional consequence: retained intron. Not counted in ClinVar's aggregate classification.

Dr. Peter K. Rogan Lab, Western University
No classification provided (evidence only). Condition: Familial cancer of breast. Review status: no classification provided. Collection method: in vitro. Allele origin: not applicable. Functional consequence: retained intron. Not counted in ClinVar's aggregate classification.

Dr. Peter K. Rogan Lab, Western University
No classification provided (evidence only). Condition: Familial cancer of breast. Review status: no classification provided. Collection method: in vitro. Allele origin: not applicable. Functional consequence: skipped exon. Not counted in ClinVar's aggregate classification.

Dr. Peter K. Rogan Lab, Western University
No classification provided (evidence only). Condition: Uterine carcinosarcoma. Review status: no classification provided. Collection method: in vitro. Allele origin: not applicable. Functional consequence: retained intron. Not counted in ClinVar's aggregate classification.

Dr. Peter K. Rogan Lab, Western University
No classification provided (evidence only). Condition: Uterine carcinosarcoma. Review status: no classification provided. Collection method: in vitro. Allele origin: not applicable. Functional consequence: retained intron. Not counted in ClinVar's aggregate classification.

Dr. Peter K. Rogan Lab, Western University
No classification provided (evidence only). Condition: Chronic lymphocytic leukemia/small lymphocytic lymphoma. Review status: no classification provided. Collection method: in vitro. Allele origin: not applicable. Functional consequence: retained intron. Not counted in ClinVar's aggregate classification.

Dr. Peter K. Rogan Lab, Western University
No classification provided (evidence only). Condition: Chronic lymphocytic leukemia/small lymphocytic lymphoma. Review status: no classification provided. Collection method: in vitro. Allele origin: not applicable. Functional consequence: skipped exon, retained intron. Not counted in ClinVar's aggregate classification.

Dr. Peter K. Rogan Lab, Western University
No classification provided (evidence only). Condition: Nonpapillary renal cell carcinoma. Review status: no classification provided. Collection method: in vitro. Allele origin: not applicable. Functional consequence: retained intron. Not counted in ClinVar's aggregate classification.

Dr. Peter K. Rogan Lab, Western University
No classification provided (evidence only). Condition: Nonpapillary renal cell carcinoma. Review status: no classification provided. Collection method: in vitro. Allele origin: not applicable. Functional consequence: retained intron. Not counted in ClinVar's aggregate classification.

Systems Biology Platform Zhejiang California International NanoSystems Institute
Classification: other for Familial colorectal cancer. Review status: no assertion criteria provided. Collection method: not provided. Allele origin: unknown. Not counted in ClinVar's aggregate classification.
ClinVar note: Converted during submission from cancer to other.